The following is an entry in ClinVar:

NM_001127222.2(CACNA1A):c.3078T>A (p.His1026Gln)

Gene: CACNA1A (calcium voltage-gated channel subunit alpha1 A; minus strand). Cytogenetic location: 19p13.13.
Variant type: single nucleotide variant.
Coding change: c.3078T>A on transcript NM_001127222.2 (MANE Select); coding-DNA position 3078, T replaced by A.
Protein change: p.His1026Gln; replaces histidine 1026 with glutamine.
Molecular consequence: missense variant.
Genome position (GRCh38, 1-based): chr19:13,298,555, A>T on the plus strand (T>A on the coding strand, the complement: CACNA1A is on the minus strand). VCF-style: chr19-13298555-A-T. GRCh37 (hg19) VCF-style: chr19-13409369-A-T.
Other names: c.3090T>A, p.His1030Gln (NM_000068.4, NM_023035.3); c.3081T>A, p.His1027Gln (NM_001127221.2, NM_001174080.2); short protein forms H1026Q, H1027Q, H1030Q.
Identifiers: ClinVar variation 1414966 (VCV001414966.10), dbSNP rs1202322408, ClinGen allele CA404342116.
Genomic context (GRCh38, chr19:13,298,555, plus strand): 5'-ATTATTAATGTTACCGTCATTCTGCGGATTCGAGGTCACCTCCACTTACTTCCTCCTCCG[A>T]TGCCTCCGCTCCTTGTCCTCCCTCCGCGCGTCCCCCTCGTACGTGGCTGGAGCGCCATGC-3'
Protein context (NP_001120694.1, residues 1016-1036): DARREDKERR[His1026Gln]RRRKENQGSG

ClinVar aggregate classification (germline): Conflicting classifications of pathogenicity. Review status: criteria provided, conflicting classifications (1 of 4 stars). 2 submissions from 2 submitters: Uncertain significance (1); Likely benign (1). Last evaluated 2024-04-06.

Conditions:
Episodic ataxia type 2 (EA2). Also called: ATAXIA, EPISODIC, WITH NYSTAGMUS; ATAXIA, FAMILIAL PAROXYSMAL; CEREBELLAR ATAXIA, PAROXYSMAL, ACETAZOLAMIDE-RESPONSIVE; CEREBELLOPATHY, HEREDITARY PAROXYSMAL; EPISODIC ATAXIA, NYSTAGMUS-ASSOCIATED; ACETAZOLAMIDE-RESPONSIVE HEREDITARY PAROXYSMAL CEREBELLAR ATAXIA. Identifiers: Orphanet 97, MedGen C1720416, MONDO:0007163, OMIM 108500.
Developmental and epileptic encephalopathy, 42 (DEE42A). Also called: Epileptic encephalopathy, early infantile, 42; DEVELOPMENTAL AND EPILEPTIC ENCEPHALOPATHY 42A; EPILEPTIC ENCEPHALOPATHY, EARLY INFANTILE, 42A. Identifiers: MedGen C4310716, MONDO:0014917, OMIM 617106.

Allele frequency attached by ClinVar (database versions not stated): TOPMed 0.00002; gnomAD exomes 0.00001 and 0.00002; gnomAD 0.00002.
gnomAD v4.1: 23 of 1,542,874 alleles (0.0015%); highest among the groups gnomAD compares: African/African-American, 0.0028%; no homozygotes.

Submissions (2):

Labcorp Genetics (formerly Invitae), Labcorp
Classification: Likely benign for Developmental and epileptic encephalopathy, 42; Episodic ataxia type 2. Last evaluated: 2024-04-06. Review status: criteria provided, single submitter. Criteria: Invitae Variant Classification Sherloc (09022015). Collection method: clinical testing. Allele origin: germline.

GeneDx
Classification: Uncertain significance. Last evaluated: 2023-08-24. Review status: criteria provided, single submitter. Criteria: GeneDx Variant Classification Process June 2021. Collection method: clinical testing. Allele origin: germline. Affected: yes.
Comment: In silico analysis supports that this missense variant has a deleterious effect on protein structure/function; Has not been previously published as pathogenic or benign to our knowledge